The following is an entry in ClinVar:

NM_003001.5(SDHC):c.94A>G (p.Thr32Ala)

Gene: SDHC (succinate dehydrogenase complex subunit C; plus strand). Cytogenetic location: 1q23.3.
Variant type: single nucleotide variant.
Coding change: c.94A>G on transcript NM_003001.5 (MANE Select); coding-DNA position 94, A replaced by G.
Protein change: p.Thr32Ala; replaces threonine 32 with alanine.
Molecular consequence: missense variant. On other transcripts: 5 prime UTR variant (2), non-coding transcript variant (1), intron variant (4).
Genome position (GRCh38, 1-based): chr1:161,328,412, A>G. VCF-style: chr1-161328412-A-G. GRCh37 (hg19) VCF-style: chr1-161298202-A-G.
Other names: c.94A>G, p.Thr32Ala (NM_001035511.3, NM_001407115.1); c.37A>G, p.Thr13Ala (NM_001407116.1, NM_001407117.1, NM_001407121.1); c.-18A>G (NM_001407119.1, NM_001407120.1); c.77+4742A>G (NM_001035512.3, NM_001278172.3, NM_001407118.1); c.21-12182A>G (NM_001035513.3); short protein forms T32A, T13A.
Identifiers: ClinVar variation 465980 (VCV000465980.12), dbSNP rs1457574786, ClinGen allele CA343360898.

ClinVar aggregate classification (germline): Uncertain significance. Review status: criteria provided, multiple submitters, no conflicts (2 of 4 stars). 2 submissions from 2 submitters: Uncertain significance (2). Last evaluated 2025-12-10.

Conditions:
Hereditary cancer-predisposing syndrome. Also called: Tumor predisposition; Hereditary neoplastic syndrome; Neoplastic Syndromes, Hereditary; Hereditary Cancer Syndrome. Identifiers: Orphanet 140162, MedGen C0027672, MeSH D009386, MONDO:0015356.
Pheochromocytoma/paraganglioma syndrome 3. Also called: SDHC-Related Hereditary Paraganglioma-Pheochromocytoma Syndrome (Paragangliomas 3); GLOMUS TUMORS, FAMILIAL, 3; SDHC-Related Hereditary Paraganglioma-Pheochromocytoma Syndrome; Paragangliomas 3. Identifiers: Orphanet 29072, MedGen C1854336, MONDO:0011544, OMIM 605373.
Gastrointestinal stromal tumor. Also called: Gastrointestinal stroma tumor; Gastrointestinal stromal tumor, somatic. Identifiers: Orphanet 44890, MedGen C0238198, MeSH D046152, MONDO:0011719, OMIM 606764, HP:0100723.

Allele frequency attached by ClinVar (database versions not stated): gnomAD exomes below 0.00001.
gnomAD v4.1: 2 of 1,613,080 alleles (0.00012%); highest among the groups gnomAD compares: Non-Finnish European, 0.00017%; no homozygotes.

Submissions (2):

Ambry Genetics
Classification: Uncertain significance for Hereditary cancer-predisposing syndrome. Last evaluated: 2025-12-10. Review status: criteria provided, single submitter. Criteria: Ambry Variant Classification Scheme 2023. Collection method: clinical testing. Allele origin: germline.
Comment: The p.T32A variant (also known as c.94A>G), located in coding exon 3 of the SDHC gene, results from an A to G substitution at nucleotide position 94. The threonine at codon 32 is replaced by alanine, an amino acid with similar properties. This amino acid position is conserved. In addition, the in silico prediction for this alteration is inconclusive. Since supporting evidence is limited at this time, the clinical significance of this alteration remains unclear.

Labcorp Genetics (formerly Invitae), Labcorp
Classification: Uncertain significance for Pheochromocytoma/paraganglioma syndrome 3; Gastrointestinal stromal tumor. Last evaluated: 2025-10-10. Review status: criteria provided, single submitter. Criteria: Invitae Variant Classification Sherloc (09022015). Collection method: clinical testing. Allele origin: germline.
Comment: This sequence change replaces threonine, which is neutral and polar, with alanine, which is neutral and non-polar, at codon 32 of the SDHC protein (p.Thr32Ala). This variant is present in population databases (no rsID available, gnomAD 0.0009%). This variant has not been reported in the literature in individuals affected with SDHC-related conditions. ClinVar contains an entry for this variant (Variation ID: 465980). An algorithm developed to predict the effect of missense changes on protein structure and function (PolyPhen-2) suggests that this variant is likely to be disruptive. In summary, the available evidence is currently insufficient to determine the role of this variant in disease. Therefore, it has been classified as a Variant of Uncertain Significance.